The following is an entry in ClinVar:

ClinVar aggregate classification (germline): Uncertain significance (1 of 4 stars; one submission).

Conditions:
Ehlers-Danlos syndrome, dermatosparaxis type. Also called: Ehlers-Danlos syndrome, type VII, autosomal recessive; EDS VIIC; Dermatosparaxis. Identifiers: Orphanet 1901, MedGen C2700425, MONDO:0009161, OMIM 225410.

Submission:

Labcorp Genetics (formerly Invitae), Labcorp
Classification: Uncertain significance for Ehlers-Danlos syndrome, dermatosparaxis type. Last evaluated: 2021-04-22. Review status: criteria provided, single submitter. Criteria: Invitae Variant Classification Sherloc (09022015). Collection method: clinical testing. Allele origin: germline.
Comment: This variant has not been reported in the literature in individuals with ADAMTS2-related conditions. Algorithms developed to predict the effect of missense changes on protein structure and function are either unavailable or do not agree on the potential impact of this missense change (SIFT: "Deleterious"; PolyPhen-2: "Benign"; Align-GVGD: "Class C25"). In summary, the available evidence is currently insufficient to determine the role of this variant in disease. Therefore, it has been classified as a Variant of Uncertain Significance. This sequence change replaces valine with leucine at codon 989 of the ADAMTS2 protein (p.Val989Leu). The valine residue is highly conserved and there is a small physicochemical difference between valine and leucine. This variant is not present in population databases (ExAC no frequency).

NM_014244.5(ADAMTS2):c.2965G>C (p.Val989Leu)

Gene: ADAMTS2 (ADAM metallopeptidase with thrombospondin type 1 motif 2; minus strand). Cytogenetic location: 5q35.3.
Variant type: single nucleotide variant.
Coding change: c.2965G>C on transcript NM_014244.5 (MANE Select); coding-DNA position 2965, G replaced by C.
Protein change: p.Val989Leu; replaces valine 989 with leucine.
Molecular consequence: missense variant.
Genome position (GRCh38, 1-based): chr5:179,122,767, C>G on the plus strand (G>C on the coding strand, the complement: ADAMTS2 is on the minus strand). VCF-style: chr5-179122767-C-G. GRCh37 (hg19) VCF-style: chr5-178549768-C-G.
Other names: short protein forms V989L.
Identifiers: ClinVar variation 1467604 (VCV001467604.8), dbSNP rs2113181846, ClinGen allele CA362418904.